The following is an entry in ClinVar:

NM_000426.4(LAMA2):c.3404C>T (p.Thr1135Ile)

Gene: LAMA2 (laminin subunit alpha 2; plus strand). Cytogenetic location: 6q22.33.
Variant type: single nucleotide variant.
Coding change: c.3404C>T on transcript NM_000426.4 (MANE Select); coding-DNA position 3404, C replaced by T.
Protein change: p.Thr1135Ile; replaces threonine 1135 with isoleucine.
Molecular consequence: missense variant.
Genome position (GRCh38, 1-based): chr6:129,313,090, C>T. VCF-style: chr6-129313090-C-T. GRCh37 (hg19) VCF-style: chr6-129634235-C-T.
Other names: c.3404C>T, p.Thr1135Ile (NM_001079823.2); short protein forms T1135I.
Identifiers: ClinVar variation 1440789 (VCV001440789.5), dbSNP rs970436360, ClinGen allele CA146912118.

ClinVar aggregate classification (germline): Uncertain significance (1 of 4 stars; one submission).

Conditions:
LAMA2-related muscular dystrophy (LAMA2-RD). Also called: Laminin alpha 2-related dystrophy. Identifiers: MedGen C5679788, MONDO:0100228.

Allele frequency attached by ClinVar (database versions not stated): gnomAD exomes below 0.00001; TOPMed below 0.00001.
gnomAD v4.1: 3 of 1,594,902 alleles (0.00019%); highest among the groups gnomAD compares: Non-Finnish European, 0.00026%; no homozygotes.

Submission:

Labcorp Genetics (formerly Invitae), Labcorp
Classification: Uncertain significance for LAMA2-related muscular dystrophy. Last evaluated: 2021-09-01. Review status: criteria provided, single submitter. Criteria: Invitae Variant Classification Sherloc (09022015). Collection method: clinical testing. Allele origin: germline.
Comment: This sequence change replaces threonine with isoleucine at codon 1135 of the LAMA2 protein (p.Thr1135Ile). The threonine residue is weakly conserved and there is a moderate physicochemical difference between threonine and isoleucine. This variant is not present in population databases (ExAC no frequency). This variant has not been reported in the literature in individuals affected with LAMA2-related conditions. Advanced modeling of protein sequence and biophysical properties (such as structural, functional, and spatial information, amino acid conservation, physicochemical variation, residue mobility, and thermodynamic stability) performed at Invitae indicates that this missense variant is not expected to disrupt LAMA2 protein function. In summary, the available evidence is currently insufficient to determine the role of this variant in disease. Therefore, it has been classified as a Variant of Uncertain Significance.